The following is an entry in ClinVar:

NM_001267550.2(TTN):c.104225G>A (p.Ser34742Asn)

Genes: TTN (titin; minus strand), TTN-AS1 (TTN antisense RNA 1; plus strand). Cytogenetic location: 2q31.2.
Variant type: single nucleotide variant.
Coding change: c.104225G>A on transcript NM_001267550.2 (MANE Select); coding-DNA position 104225, G replaced by A.
Protein change: p.Ser34742Asn; replaces serine 34742 with asparagine.
Molecular consequence: missense variant.
Genome position (GRCh38, 1-based): chr2:178,532,390, C>T on the plus strand (G>A on the coding strand, the complement: TTN is on the minus strand). VCF-style: chr2-178532390-C-T. GRCh37 (hg19) VCF-style: chr2-179397117-C-T.
Other names: c.99302G>A, p.Ser33101Asn (NM_001256850.1); c.77030G>A, p.Ser25677Asn (NM_003319.4); c.96521G>A, p.Ser32174Asn (NM_133378.4); c.77405G>A, p.Ser25802Asn (NM_133432.3); c.77606G>A, p.Ser25869Asn (NM_133437.4); short protein forms S32174N, S34742N, S25677N, S25802N, S25869N, S33101N.
Identifiers: ClinVar variation 191814 (VCV000191814.4), dbSNP rs765636638, ClinGen allele CA237611.

ClinVar aggregate classification (germline): Uncertain significance. Review status: criteria provided, multiple submitters, no conflicts (2 of 4 stars). 2 submissions from 2 submitters: Uncertain significance (2). Last evaluated 2025-04-24.

Conditions:
Dilated cardiomyopathy 1G (CMD1G). Identifiers: Orphanet 154, MedGen C1858763, MONDO:0011400, OMIM 604145.
Autosomal recessive limb-girdle muscular dystrophy type 2J (LGMDR10). Also called: Limb-girdle muscular dystrophy, type 2J; MUSCULAR DYSTROPHY, LIMB-GIRDLE, AUTOSOMAL RECESSIVE 10. Identifiers: Orphanet 140922, MedGen C1837342, MONDO:0012127, OMIM 608807.

gnomAD v4.1: 4 of 1,613,972 alleles (0.00025%); highest among the groups gnomAD compares: South Asian, 0.0044%; no homozygotes.

Submissions (2):

Labcorp Genetics (formerly Invitae), Labcorp
Classification: Uncertain significance for Dilated cardiomyopathy 1G; Autosomal recessive limb-girdle muscular dystrophy type 2J. Last evaluated: 2025-04-24. Review status: criteria provided, single submitter. Criteria: Invitae Variant Classification Sherloc (09022015). Collection method: clinical testing. Allele origin: germline.
Comment: This sequence change replaces serine, which is neutral and polar, with asparagine, which is neutral and polar, at codon 34742 of the TTN protein (p.Ser34742Asn). This variant is present in population databases (rs765636638, gnomAD 0.003%). This variant has not been reported in the literature in individuals affected with TTN-related conditions. ClinVar contains an entry for this variant (Variation ID: 191814). Experimental studies and prediction algorithms are not available or were not evaluated, and the functional significance of this variant is currently unknown. This variant is located in the M band of TTN (PMID: 25589632). Non-truncating variants in this region may be relevant for neuromuscular disorders, but have not been definitively shown to cause cardiomyopathy (PMID: 23975875). In summary, the available evidence is currently insufficient to determine the role of this variant in disease. Therefore, it has been classified as a Variant of Uncertain Significance.

Biesecker Lab/Clinical Genomics Section, National Institutes of Health
Classification: Uncertain significance. Last evaluated: 2013-06-24. Review status: criteria provided, single submitter. Criteria: Ng et al. (Circ Cardiovasc Genet. 2013). Collection method: research. Allele origin: unknown. Observed: 1 variant allele. Study: ClinSeq.
Comment: The study set was not selected for affection status in relation to any cancer. Pathogenicity categories were based on literature curation. See Pubmed ID:23861362 for details.

Medical sequencing

Literature cited by the submitters: PubMed 25589632 (cited by Labcorp Genetics (formerly Invitae), Labcorp); PubMed 23975875 (cited by Labcorp Genetics (formerly Invitae), Labcorp).